The following is an entry in ClinVar:

NM_080680.3(COL11A2):c.2608C>A (p.His870Asn)

Gene: COL11A2 (collagen type XI alpha 2 chain; minus strand). Cytogenetic location: 6p21.32.
Variant type: single nucleotide variant.
Coding change: c.2608C>A on transcript NM_080680.3 (MANE Select); coding-DNA position 2608, C replaced by A.
Protein change: p.His870Asn; replaces histidine 870 with asparagine.
Molecular consequence: missense variant.
Genome position (GRCh38, 1-based): chr6:33,173,721, G>T on the plus strand (C>A on the coding strand, the complement: COL11A2 is on the minus strand). VCF-style: chr6-33173721-G-T. GRCh37 (hg19) VCF-style: chr6-33141498-G-T.
Other names: c.2428C>A, p.His810Asn (NM_001424108.1); c.1762C>A, p.His588Asn (NM_001424109.1); c.1582C>A, p.His528Asn (NM_001424110.1, NM_001424111.1); c.562C>A, p.His188Asn (NM_001424112.1); c.2287C>A, p.His763Asn (NM_080679.3); c.2350C>A, p.His784Asn (NM_080681.3); short protein forms H810N, H528N, H763N, H588N, H870N, H188N, H784N.
Identifiers: ClinVar variation 2707895 (VCV002707895.3), dbSNP rs1248910628, ClinGen allele CA363642511.

ClinVar aggregate classification (germline): Uncertain significance (1 of 4 stars; one submission).

Submission:

Labcorp Genetics (formerly Invitae), Labcorp
Classification: Uncertain significance. Last evaluated: 2024-01-06. Review status: criteria provided, single submitter. Criteria: Invitae Variant Classification Sherloc (09022015). Collection method: clinical testing. Allele origin: germline.
Comment: This sequence change replaces histidine, which is basic and polar, with asparagine, which is neutral and polar, at codon 870 of the COL11A2 protein (p.His870Asn). This variant is not present in population databases (gnomAD no frequency). This variant has not been reported in the literature in individuals affected with COL11A2-related conditions. Advanced modeling of protein sequence and biophysical properties (such as structural, functional, and spatial information, amino acid conservation, physicochemical variation, residue mobility, and thermodynamic stability) performed at Invitae indicates that this missense variant is not expected to disrupt COL11A2 protein function with a negative predictive value of 95%. In summary, the available evidence is currently insufficient to determine the role of this variant in disease. Therefore, it has been classified as a Variant of Uncertain Significance.